The following is an entry in ClinVar:

NM_153704.6(TMEM67):c.1961-7T>A

Gene: TMEM67 (transmembrane protein 67; plus strand). Cytogenetic location: 8q22.1.
Variant type: single nucleotide variant.
Coding change: c.1961-7T>A on transcript NM_153704.6 (MANE Select); 7 bases into the intron before coding-DNA position 1961, T replaced by A.
Molecular consequence: intron variant.
Genome position (GRCh38, 1-based): chr8:93,797,324, T>A. VCF-style: chr8-93797324-T-A. GRCh37 (hg19) VCF-style: chr8-94809552-T-A.
Other names: c.1718-7T>A (NM_001142301.1).
Identifiers: ClinVar variation 582840 (VCV000582840.2), dbSNP rs1563472215, ClinGen allele CA891842497.

ClinVar aggregate classification (germline): Uncertain significance (1 of 4 stars; one submission).

Conditions:
Meckel-Gruber syndrome. Also called: Dysencephalia splachnocystica; DYSENCEPHALIA SPLANCHNOCYSTICA; GRUBER SYNDROME. Identifiers: Orphanet 564, MedGen C0265215, MONDO:0018921.
Joubert syndrome. Also called: Familial aplasia of the vermis; CEREBELLOPARENCHYMAL DISORDER IV; JOUBERT-BOLTSHAUSER SYNDROME. Identifiers: Orphanet 475, MedGen C5979921, MONDO:0018772.

Submission:

Labcorp Genetics (formerly Invitae), Labcorp
Classification: Uncertain significance for Joubert syndrome; Meckel-Gruber syndrome. Last evaluated: 2018-07-17. Review status: criteria provided, single submitter. Criteria: Invitae Variant Classification Sherloc (09022015). Collection method: clinical testing. Allele origin: germline.
Comment: This sequence change falls in intron 19 of the TMEM67 gene. It does not directly change the encoded amino acid sequence of the TMEM67 protein. This variant is not present in population databases (ExAC no frequency). This variant has not been reported in the literature in individuals with TMEM67-related disease. Algorithms developed to predict the effect of sequence changes on RNA splicing suggest that this variant may disrupt the consensus splice site, but this prediction has not been confirmed by published transcriptional studies. In summary, the available evidence is currently insufficient to determine the role of this variant in disease. Therefore, it has been classified as a Variant of Uncertain Significance.